The following is an entry in ClinVar:

NM_144498.4(OSBPL2):c.996+6G>T

Gene: OSBPL2 (oxysterol binding protein like 2; plus strand). Cytogenetic location: 20q13.33.
Variant type: single nucleotide variant.
Coding change: c.996+6G>T on transcript NM_144498.4 (MANE Select); 6 bases into the intron after coding-DNA position 996, G replaced by T.
Molecular consequence: intron variant.
Genome position (GRCh38, 1-based): chr20:62,284,175, G>T. VCF-style: chr20-62284175-G-T. GRCh37 (hg19) VCF-style: chr20-60859231-G-T.
Other names: c.996+6G>T (NM_144498.2); c.720+6G>T (NM_001363878.2, NM_001278649.3); c.960+6G>T (NM_014835.5).
Identifiers: ClinVar variation 1207725 (VCV001207725.7), dbSNP rs201704580, ClinGen allele CA9938629.

ClinVar aggregate classification (germline): Likely benign. Review status: criteria provided, multiple submitters, no conflicts (2 of 4 stars). 4 submissions from 4 submitters: Likely benign (4). Last evaluated 2025-08-11.

Conditions:
OSBPL2-related disorder. Also called: OSBPL2-related condition.

Allele frequency attached by ClinVar (database versions not stated): TOPMed 0.00003.
gnomAD v4.1: 116 of 1,613,974 alleles (0.0072%); highest among the groups gnomAD compares: South Asian, 0.036%; no homozygotes.

Submissions (4):

PreventionGenetics, part of Exact Sciences
Classification: Likely benign for OSBPL2-related condition. Last evaluated: 2025-08-11. Review status: criteria provided, single submitter. Criteria: ACMG Guidelines, 2015. Collection method: clinical testing. Allele origin: germline.
Comment: This variant is classified as likely benign based on ACMG/AMP sequence variant interpretation guidelines (Richards et al. 2015 PMID: 25741868, with internal and published modifications).

Labcorp Genetics (formerly Invitae), Labcorp
Classification: Likely benign. Last evaluated: 2025-01-14. Review status: criteria provided, single submitter. Criteria: Invitae Variant Classification Sherloc (09022015). Collection method: clinical testing. Allele origin: germline.

Blueprint Genetics
Classification: Likely benign. Last evaluated: 2024-03-18. Review status: criteria provided, single submitter. Criteria: ACMG Guidelines, 2015. Collection method: clinical testing. Allele origin: germline.

GeneDx
Classification: Likely benign. Last evaluated: 2020-11-10. Review status: criteria provided, single submitter. Criteria: GeneDx Variant Classification Process June 2021. Collection method: clinical testing. Allele origin: germline. Affected: yes.